The following continues an entry in ClinVar:

NM_005633.4(SOS1):c.1300G>A (p.Gly434Arg)

Gene: SOS1. ClinVar aggregate classification (germline): Pathogenic/Likely pathogenic. Pathogenic (13); Likely pathogenic (2).

Submissions 9 to 15 of 15:

Women's Health and Genetics/Laboratory Corporation of America, LabCorp
Classification: Pathogenic for Rasopathy. Last evaluated: 2018-06-11. Review status: criteria provided, single submitter. Criteria: LabCorp Variant Classification Summary - May 2015. Collection method: clinical testing. Allele origin: germline.
Comment: Variant summary: SOS1 c.1300G>A (p.Gly434Arg) results in a non-conservative critical amino acid change located in the membrane-binding surface of the Pleckstrin Homology (PH) domain of the encoded protein sequence (Lepri_2011). Five of five in-silico tools predict a damaging effect of the variant on protein function. The variant was absent in 245568 control chromosomes (gnomAD). The variant, c.1300G>A, has been reported in the literature in individuals affected with Noonan Syndrome and Related Conditions (Alfieri_2014, Binder_2012, Lepri_2011, Roberts_2007). These data indicate that the variant is likely to be associated with disease. One publication reports experimental evidence evaluating an impact on protein function, and demonstrated an increased capacity to induce ERK activation in starved cells (Smith_2013). A ClinVar submission from a clinical diagnostic laboratory (evaluation after 2014) cites the variant as "pathogenic." Based on the evidence outlined above, the variant was classified as Pathogenic.

Centre for Mendelian Genomics, University Medical Centre Ljubljana
Classification: Pathogenic for Abnormal sternum morphology; Ptosis; Pulmonic stenosis; Short stature. Last evaluated: 2017-01-01. Review status: criteria provided, single submitter. Criteria: ACMG Guidelines, 2015. Collection method: clinical testing. Allele origin: unknown. Affected: yes.

Laboratory for Molecular Medicine, Mass General Brigham Personalized Medicine
Classification: Pathogenic for Noonan syndrome. Last evaluated: 2012-11-13. Review status: criteria provided, single submitter. Criteria: LMM Criteria. Collection method: clinical testing. Allele origin: germline. Observed: 2 variant alleles.
Comment: The 1300G>A (Gly434Arg) variant in SOS1 has previously been identified as a de n ovo variant in one individual with sporadic clinical features of Noonan syndrome (Zenker 2007). In addition, a different nucleotide change that causes the same amino acid change at this location (1300G>C) has also been associated with the c linical features of Noonan syndrome and was shown to have occurred de novo (Robe rts 2007). Therefore, this variant is highly likely to be pathogenic.

Center for Genomics, Ann and Robert H. Lurie Children's Hospital of Chicago
Classification: Pathogenic for Noonan syndrome 4; Fibromatosis, gingival, 1. Review status: criteria provided, single submitter. Criteria: ACMG Guidelines, 2015. Collection method: clinical testing. Allele origin: germline.
Comment: SOS1 NM_005633.3 exon 10 p.Gly434Arg (c.1300G>A): This variant has been reported in the literature in at least 3 individuals with a RASopathy, at least 1 of whom was identified to have this variant de novo (Zenker 2007 PMID:17586837, Lepri 2011 PMID:21387466). This variant is not present in large control databases but is present in ClinVar, with several labs classifying this variant as pathogenic (Variation ID:40672). Evolutionary conservation suggests that this variant may impact the protein; computational predictive tools for this variant are unclear. In vitro functional studies predict that this variant will impact the protein (Smith 2013 PMID:23487764). Of note, other variants that result in the same amino acid change as well as at this position have also been reported in the literature in association with disease (c.1300G>C Roberts 2007 PMID:17143285, p.Gly434Lys Lepri 2011 PMID:21387466) supporting the potential functional relevance of this codon. In summary, this variant is classified as pathogenic.

Equipe Genetique des Anomalies du Developpement, Université de Bourgogne
Classification: Pathogenic for Fetal cystic hygroma. Review status: criteria provided, single submitter. Criteria: ACMG Guidelines, 2015. Collection method: clinical testing. Allele origin: de novo. Affected: yes.

Genome-Nilou Lab
Classification: Likely pathogenic for Noonan syndrome 4. Review status: criteria provided, single submitter. Criteria: ACMG Guidelines, 2015. Collection method: clinical testing. Allele origin: germline.

Institute for Genomic Statistics and Bioinformatics, University Hospital Bonn
Classification: Pathogenic for Noonan syndrome 1. Review status: criteria provided, single submitter. Criteria: ACMG Guidelines, 2015. Collection method: clinical testing. Allele origin: unknown. Affected: yes. Observed: 1 variant allele.

Literature cited by the submitters: PubMed 17143285 (cited by 7 submitters); PubMed 17586837 (cited by 5 submitters); PubMed 20186801 (cited by Labcorp Genetics (formerly Invitae), Labcorp and Ambry Genetics); PubMed 21387466 (cited by 6 submitters); PubMed 23487764 (cited by 5 submitters); PubMed 20301303 (cited by Victorian Clinical Genetics Services, Murdoch Childrens Research Institute); PubMed 30784236 (cited by 4 submitters); PubMed 31560489 (cited by Division of Genetic & Genomic Pathology, Hong Kong Children's Hospital and Ambry Genetics); PubMed 24458522 (cited by 4 submitters); PubMed 30325180 (cited by Ambry Genetics); PubMed 29907801 (cited by Equipe Genetique des Anomalies du Developpement, Université de Bourgogne); PubMed 22494877 (cited by Equipe Genetique des Anomalies du Developpement, Université de Bourgogne and Women's Health and Genetics/Laboratory Corporation of America, LabCorp).